The following is an entry in ClinVar:

ClinVar aggregate classification (germline): Uncertain significance. Review status: criteria provided, multiple submitters, no conflicts (2 of 4 stars). 3 submissions from 3 submitters: Uncertain significance (3). Last evaluated 2025-09-12.

Conditions:
Pheochromocytoma. Also called: MAX-Related Hereditary Paraganglioma-Pheochromocytoma Syndrome. Identifiers: Orphanet 29072, MedGen C0031511, MONDO:0008233, OMIM 171300, HP:0002666.
Cowden syndrome 3 (CWS3). Identifiers: Orphanet 201, MedGen CN166604, MONDO:0014045.
Carney-Stratakis syndrome. Also called: PARAGANGLIOMA AND GASTROINTESTINAL STROMAL TUMOR. Identifiers: Orphanet 97286, MedGen C1847319, MONDO:0011740, OMIM 606864.
Paragangliomas with sensorineural hearing loss. Identifiers: MedGen C1868633.
Hereditary cancer-predisposing syndrome. Also called: Neoplastic Syndromes, Hereditary; Hereditary Cancer Syndrome; Tumor predisposition; Hereditary neoplastic syndrome. Identifiers: Orphanet 140162, MedGen C0027672, MeSH D009386, MONDO:0015356.

Allele frequency attached by ClinVar (database versions not stated): gnomAD exomes below 0.00001 and 0.00001.
gnomAD v4.1: 5 of 1,614,176 alleles (0.00031%); highest among the groups gnomAD compares: East Asian, 0.0022%; no homozygotes.

Submissions (3):

Ambry Genetics
Classification: Uncertain significance for Hereditary cancer-predisposing syndrome. Last evaluated: 2025-09-12. Review status: criteria provided, single submitter. Criteria: Ambry Variant Classification Scheme 2023. Collection method: clinical testing. Allele origin: germline.
Comment: The p.A2V variant (also known as c.5C>T), located in coding exon 1 of the SDHD gene, results from a C to T substitution at nucleotide position 5. The alanine at codon 2 is replaced by valine, an amino acid with similar properties. This amino acid position is highly conserved in available vertebrate species. In addition, this alteration is predicted to be deleterious by in silico analysis. Since supporting evidence is limited at this time, the clinical significance of this alteration remains unclear.

GeneDx
Classification: Uncertain significance. Last evaluated: 2025-08-14. Review status: criteria provided, single submitter. Criteria: GeneDx Variant Classification Process June 2021. Collection method: clinical testing. Allele origin: germline. Affected: yes.
Comment: Not observed at significant frequency in large population cohorts (gnomAD); In silico analysis supports that this missense variant has a deleterious effect on protein structure/function; Has not been previously published as pathogenic or benign to our knowledge

Labcorp Genetics (formerly Invitae), Labcorp
Classification: Uncertain significance for Carney-Stratakis syndrome; Paragangliomas with sensorineural hearing loss; Pheochromocytoma; Cowden syndrome 3. Last evaluated: 2024-03-01. Review status: criteria provided, single submitter. Criteria: Invitae Variant Classification Sherloc (09022015). Collection method: clinical testing. Allele origin: germline.
Comment: This sequence change replaces alanine, which is neutral and non-polar, with valine, which is neutral and non-polar, at codon 2 of the SDHD protein (p.Ala2Val). This variant is present in population databases (no rsID available, gnomAD 0.003%). This variant has not been reported in the literature in individuals affected with SDHD-related conditions. ClinVar contains an entry for this variant (Variation ID: 852212). Advanced modeling of protein sequence and biophysical properties (such as structural, functional, and spatial information, amino acid conservation, physicochemical variation, residue mobility, and thermodynamic stability) performed at Invitae indicates that this missense variant is not expected to disrupt SDHD protein function with a negative predictive value of 95%. In summary, the available evidence is currently insufficient to determine the role of this variant in disease. Therefore, it has been classified as a Variant of Uncertain Significance.

NM_003002.4(SDHD):c.5C>T (p.Ala2Val)

Genes: SDHD (succinate dehydrogenase complex subunit D; plus strand), LOC126861339 (BRD4-independent group 4 enhancer GRCh37_chr11:111957035-111958234; plus strand). Cytogenetic location: 11q23.1.
Variant type: single nucleotide variant.
Coding change: c.5C>T on transcript NM_003002.4 (MANE Select); coding-DNA position 5, C replaced by T.
Protein change: p.Ala2Val; replaces alanine 2 with valine.
Molecular consequence: missense variant. On other transcripts: non-coding transcript variant (1).
Genome position (GRCh38, 1-based): chr11:112,086,912, C>T. VCF-style: chr11-112086912-C-T. GRCh37 (hg19) VCF-style: chr11-111957636-C-T.
Other names: c.5C>T, p.Ala2Val (NM_001276503.2, NM_001276504.2, NM_001276506.2); short protein forms A2V.
Identifiers: ClinVar variation 852212 (VCV000852212.15), dbSNP rs1440670464, ClinGen allele CA382616615.
Genomic context (GRCh38, chr11:112,086,912, plus strand): 5'-AATTGTCGCCTAAGTGGTTCCGGGTTGGTGGATGACCTTGAGCCCTCAGGAACGAGATGG[C>T]GGTTCTCTGGAGGCTGAGTGCCGTTTGCGGTGCCCTAGGAGGCCGAGGTGAGGGGTCTTC-3'
Protein context (NP_002993.1, residues 1-12): M[Ala2Val]VLWRLSAVCG